The following is an entry in ClinVar:

ClinVar aggregate classification (germline): Uncertain significance (1 of 4 stars; one submission).

Conditions:
Nemaline myopathy 2 (NEM2). Also called: Nemaline myopathy 2, autosomal recessive. Identifiers: MedGen C1850569, MONDO:0009725, OMIM 256030.

Submission:

Labcorp Genetics (formerly Invitae), Labcorp
Classification: Uncertain significance for Nemaline myopathy 2. Last evaluated: 2023-07-17. Review status: criteria provided, single submitter. Criteria: Invitae Variant Classification Sherloc (09022015). Collection method: clinical testing. Allele origin: germline.
Comment: In summary, the available evidence is currently insufficient to determine the role of this variant in disease. Therefore, it has been classified as a Variant of Uncertain Significance. Experimental studies and prediction algorithms are not available or were not evaluated, and the functional significance of this variant is currently unknown. ClinVar contains an entry for this variant (Variation ID: 1409570). This variant has not been reported in the literature in individuals affected with NEB-related conditions. This variant is not present in population databases (gnomAD no frequency). This sequence change replaces isoleucine, which is neutral and non-polar, with valine, which is neutral and non-polar, at codon 7440 of the NEB protein (p.Ile7440Val).

NM_001164508.2(NEB):c.22213A>G (p.Ile7405Val)

Genes: NEB (nebulin; minus strand), RIF1 (replication timing regulatory factor 1; plus strand). Cytogenetic location: 2q23.3.
Variant type: single nucleotide variant.
Coding change: c.22213A>G on transcript NM_001164508.2 (MANE Select); coding-DNA position 22213, A replaced by G.
Protein change: p.Ile7405Val; replaces isoleucine 7405 with valine.
Molecular consequence: missense variant.
Genome position (GRCh38, 1-based): chr2:151,525,222, T>C on the plus strand (A>G on the coding strand, the complement: NEB is on the minus strand). VCF-style: chr2-151525222-T-C. GRCh37 (hg19) VCF-style: chr2-152381736-T-C.
Other names: c.22213A>G, p.Ile7405Val (NM_001164507.2); c.22318A>G, p.Ile7440Val (NM_001271208.2); c.17110A>G, p.Ile5704Val (NM_004543.5); short protein forms I7440V, I5704V, I7405V.
Identifiers: ClinVar variation 1409570 (VCV001409570.8), dbSNP rs2153447751, ClinGen allele CA348765638.